The following is an entry in ClinVar:

NM_018060.4(IARS2):c.1975G>C (p.Gly659Arg)

Gene: IARS2 (isoleucyl-tRNA synthetase 2, mitochondrial; plus strand). Cytogenetic location: 1q41.
Variant type: single nucleotide variant.
Coding change: c.1975G>C on transcript NM_018060.4 (MANE Select); coding-DNA position 1975, G replaced by C.
Protein change: p.Gly659Arg; replaces glycine 659 with arginine.
Molecular consequence: missense variant.
Genome position (GRCh38, 1-based): chr1:220,136,837, G>C. VCF-style: chr1-220136837-G-C. GRCh37 (hg19) VCF-style: chr1-220310179-G-C.
Other names: short protein forms G659R.
Identifiers: ClinVar variation 2087134 (VCV002087134.4), dbSNP rs2102838669, ClinGen allele CA344611740.
Genomic context (GRCh38, chr1:220,136,837, plus strand): 5'-TTATCATTAAAATAGCTGATTTGTCCCTTTAGGACAGTGATTGTTCATGGATTTACCCTT[G>C]GAGAAAAGGGAGAAAAGATGTCCAAGTCTCTTGGGAATGTCATTCATCCTGATGTTGTCG-3'
Protein context (NP_060530.3, residues 649-669): KTVIVHGFTL[Gly659Arg]EKGEKMSKSL

ClinVar aggregate classification (germline): Uncertain significance (1 of 4 stars; one submission).

Submission:

Labcorp Genetics (formerly Invitae), Labcorp
Classification: Uncertain significance. Last evaluated: 2022-04-23. Review status: criteria provided, single submitter. Criteria: Invitae Variant Classification Sherloc (09022015). Collection method: clinical testing. Allele origin: germline.
Comment: In summary, the available evidence is currently insufficient to determine the role of this variant in disease. Therefore, it has been classified as a Variant of Uncertain Significance. Algorithms developed to predict the effect of missense changes on protein structure and function are either unavailable or do not agree on the potential impact of this missense change (SIFT: "Tolerated"; PolyPhen-2: "Probably Damaging"; Align-GVGD: "Class C0"). This variant has not been reported in the literature in individuals affected with IARS2-related conditions. This variant is not present in population databases (gnomAD no frequency). This sequence change replaces glycine, which is neutral and non-polar, with arginine, which is basic and polar, at codon 659 of the IARS2 protein (p.Gly659Arg).